The following is an entry in ClinVar:

ClinVar aggregate classification (germline): Pathogenic (1 of 4 stars; one submission).

Conditions:
Charcot-Marie-Tooth disease dominant intermediate D. Also called: CHARCOT-MARIE-TOOTH NEUROPATHY, DOMINANT INTERMEDIATE D; Charcot-Marie-Tooth disease dominant intermediate 3; CMT DI3. Identifiers: Orphanet 100046, MedGen C1843075, MONDO:0011909, OMIM 607791.
Charcot-Marie-Tooth disease type 1B. Also called: CHARCOT-MARIE-TOOTH DISEASE, AUTOSOMAL DOMINANT, WITH FOCALLY FOLDED MYELIN SHEATHS, TYPE 1B; CHARCOT-MARIE-TOOTH DISEASE, SLOW NERVE CONDUCTION TYPE, LINKED TO DUFFY; CHARCOT-MARIE-TOOTH NEUROPATHY, TYPE 1B; HEREDITARY MOTOR AND SENSORY NEUROPATHY I; HEREDITARY MOTOR AND SENSORY NEUROPATHY IB; PERONEAL MUSCULAR ATROPHY. Identifiers: Orphanet 101082, MedGen C0270912, MONDO:0007307, OMIM 118200.
Neuropathy, congenital hypomyelinating, 2. Identifiers: MedGen C4722277, MONDO:0020765, OMIM 618184.
Roussy-Lévy syndrome. Also called: Roussy-Levy Syndrome; Roussy Levy hereditary areflexic dystasia; Roussy-Levy disease; Hereditary areflexic dystasia. Identifiers: Orphanet 3115, MedGen C0205713, MONDO:0008392, OMIM 180800.
Charcot-Marie-Tooth disease type 2I (CMT2I). Also called: CHARCOT-MARIE-TOOTH DISEASE, AXONAL, TYPE 2I. Identifiers: Orphanet 99942, MedGen C3888087, MONDO:0011889, OMIM 607677.
Charcot-Marie-Tooth disease type 2J (CMT2J). Also called: CHARCOT-MARIE-TOOTH DISEASE, TYPE 2, WITH HEARING LOSS AND PUPILLARY ABNORMALITIES; CHARCOT-MARIE-TOOTH NEUROPATHY, TYPE 2J; CHARCOT-MARIE-TOOTH DISEASE, AXONAL, TYPE 2J. Identifiers: Orphanet 99943, MedGen C1843153, MONDO:0011903, OMIM 607736.

Submission:

Institute of Human Genetics, University of Goettingen
Classification: Pathogenic for Charcot-Marie-Tooth disease dominant intermediate D; Charcot-Marie-Tooth disease type 1B; Charcot-Marie-Tooth disease type 2I; Charcot-Marie-Tooth disease type 2J; Neuropathy, congenital hypomyelinating, 2; Roussy-Lévy syndrome. Last evaluated: 2024-09-11. Review status: criteria provided, single submitter. Criteria: ACMG Guidelines, 2015. Collection method: clinical testing. Allele origin: unknown. Inheritance: Autosomal dominant inheritance. Affected: yes. Observed: 1 heterozygote.
Comment: The variant c.30delC (p.(Ser11AlafsTer36)) in exon 1 of the MPZ-gene is not found in the gnomAD database. This variant has a pathogenic computational verdict based on in silico prediction algorithms. The variation generates a 'Frameshift' as coding effect. ACMG criteria used for classification: PVS1_vstr, PM2_sup.

NM_000530.8(MPZ):c.30del (p.Ser11fs)

Gene: MPZ (myelin protein zero; minus strand). Cytogenetic location: 1q23.3.
Variant type: Deletion.
Coding change: c.30del on transcript NM_000530.8 (MANE Select); coding-DNA position 30, one base deleted (C; older notation c.30delC).
Protein change: p.Ser11fs; shifts the reading frame from serine 11.
Molecular consequence: frameshift variant.
Genome position (GRCh38, 1-based): chr1:161,309,876, G deleted on the plus strand (C on the coding strand, the reverse complement: MPZ is on the minus strand); the first of 4 consecutive G bases (chr1:161,309,876-161,309,879); deleting any one gives the same sequence. VCF-style (leftmost placement, unchanged base first): chr1-161309875-TG-T. GRCh37 (hg19) VCF-style: chr1-161279665-TG-T.
Other names: c.30delC (NM_000530.8); c.30del, p.Ser11fs (NM_001315491.2); short protein forms S11fs.
Identifiers: ClinVar variation 3340162 (VCV003340162.2).